The following is an entry in ClinVar:

NM_004656.4(BAP1):c.836C>A (p.Ser279Ter)

Gene: BAP1 (BRCA1 associated deubiquitinase 1; minus strand). Cytogenetic location: 3p21.1.
Variant type: single nucleotide variant.
Coding change: c.836C>A on transcript NM_004656.4 (MANE Select); coding-DNA position 836, C replaced by A.
Protein change: p.Ser279Ter; replaces serine 279 with a stop codon.
Molecular consequence: nonsense.
Genome position (GRCh38, 1-based): chr3:52,405,860, G>T on the plus strand (C>A on the coding strand, the complement: BAP1 is on the minus strand). VCF-style: chr3-52405860-G-T. GRCh37 (hg19) VCF-style: chr3-52439876-G-T.
Other names: c.782C>A, p.Ser261Ter (NM_001410772.1); short protein forms S279*, S261*.
Identifiers: ClinVar variation 4824091 (VCV004824091.1).

ClinVar aggregate classification (germline): Pathogenic (1 of 4 stars; one submission).

Conditions:
Hereditary cancer-predisposing syndrome. Also called: Neoplastic Syndromes, Hereditary; Hereditary neoplastic syndrome; Tumor predisposition; Hereditary Cancer Syndrome. Identifiers: Orphanet 140162, MedGen C0027672, MeSH D009386, MONDO:0015356.

Submission:

Ambry Genetics
Classification: Pathogenic for Hereditary cancer-predisposing syndrome. Last evaluated: 2026-01-26. Review status: criteria provided, single submitter. Criteria: Ambry Variant Classification Scheme 2023. Collection method: clinical testing. Allele origin: germline.
Comment: The p.S279* pathogenic mutation (also known as c.836C>A), located in coding exon 10 of the BAP1 gene, results from a C to A substitution at nucleotide position 836. This changes the amino acid from a serine to a stop codon within coding exon 10. This variant is considered to be rare based on population cohorts in the Genome Aggregation Database (gnomAD). This alteration is expected to result in loss of function by premature protein truncation or nonsense-mediated mRNA decay. As such, this alteration is interpreted as a disease-causing mutation.